The following is an entry in ClinVar:

ClinVar aggregate classification (germline): Uncertain significance (1 of 4 stars; one submission).

Submission:

GeneDx
Classification: Uncertain significance. Last evaluated: 2022-09-02. Review status: criteria provided, single submitter. Criteria: GeneDx Variant Classification Process June 2021. Collection method: clinical testing. Allele origin: germline. Affected: yes.
Comment: Not observed at significant frequency in large population cohorts (gnomAD); In silico analysis supports that this missense variant does not alter protein structure/function; Has not been previously published as pathogenic or benign to our knowledge

NM_001903.5(CTNNA1):c.885C>G (p.Ser295Arg)

Gene: CTNNA1 (catenin alpha 1; plus strand). Cytogenetic location: 5q31.2.
Variant type: single nucleotide variant.
Coding change: c.885C>G on transcript NM_001903.5 (MANE Select); coding-DNA position 885, C replaced by G.
Protein change: p.Ser295Arg; replaces serine 295 with arginine.
Molecular consequence: missense variant.
Genome position (GRCh38, 1-based): chr5:138,827,541, C>G. VCF-style: chr5-138827541-C-G. GRCh37 (hg19) VCF-style: chr5-138163230-C-G.
Other names: c.885C>G, p.Ser295Arg (NM_001290307.3, NM_001323982.2, NM_001323983.1 and 3 more transcripts); c.576C>G, p.Ser192Arg (NM_001290309.3); c.516C>G, p.Ser172Arg (NM_001290310.3); short protein forms S172R, S192R, S295R.
Identifiers: ClinVar variation 2442629 (VCV002442629.1), dbSNP rs1760845021, ClinGen allele CA361130712.
Genomic context (GRCh38, chr5:138,827,541, plus strand): 5'-TGAGTACTAACATTCGGTAATACTTTCTCTGCAGAAACAAATCATTGTGGACCCCTTGAG[C>G]TTCAGCGAGGAGCGCTTTAGGCCTTCCCTGGAGGAGCGTCTGGAAAGCATCATTAGTGGG-3'
Protein context (NP_001894.2, residues 285-305): FDKQIIVDPL[Ser295Arg]FSEERFRPSL